The following is an entry in ClinVar:

ClinVar aggregate classification (germline): Pathogenic (1 of 4 stars; one submission).

Conditions:
Nemaline myopathy 2 (NEM2). Also called: Nemaline myopathy 2, autosomal recessive. Identifiers: MedGen C1850569, MONDO:0009725, OMIM 256030.

Submission:

Labcorp Genetics (formerly Invitae), Labcorp
Classification: Pathogenic for Nemaline myopathy 2. Last evaluated: 2019-09-26. Review status: criteria provided, single submitter. Criteria: Invitae Variant Classification Sherloc (09022015). Collection method: clinical testing. Allele origin: germline.
Comment: This variant is an in-frame deletion of the genomic region encompassing exons 14-77 of the NEB gene. It preserves the integrity of the reading frame. This variant has not been reported in the literature in individuals with NEB-related conditions. A similar deletion of exons 14-89 has been observed to segregate with autosomal dominant myopathy in a family (PMID: 30679003). Sub-genic deletion of exon 55 has been determined to be pathogenic (PMID: 15221447, 19232495, 23715096). Therefore, deletions that fully encompass that region are also expected to be pathogenic. For these reasons, this variant has been classified as Pathogenic.

Literature cited by the submitters: PubMed 15221447; PubMed 23715096; PubMed 30679003; PubMed 19232495.

NC_000002.12:g.(?_151614266)_(151697658_?)del

Gene: NEB (nebulin; minus strand). Cytogenetic location: 2q23.3.
Variant type: Deletion.
Identifiers: ClinVar variation 831138 (VCV000831138.1).